The following is an entry in ClinVar:

NM_000443.4(ABCB4):c.2578C>G (p.Leu860Val)

Gene: ABCB4 (ATP binding cassette subfamily B member 4; minus strand). Cytogenetic location: 7q21.12.
Variant type: single nucleotide variant.
Coding change: c.2578C>G on transcript NM_000443.4 (MANE Select); coding-DNA position 2578, C replaced by G.
Protein change: p.Leu860Val; replaces leucine 860 with valine.
Molecular consequence: missense variant.
Genome position (GRCh38, 1-based): chr7:87,417,416, G>C on the plus strand (C>G on the coding strand, the complement: ABCB4 is on the minus strand). VCF-style: chr7-87417416-G-C. GRCh37 (hg19) VCF-style: chr7-87046732-G-C.
Other names: c.2578C>G, p.Leu860Val (NM_018849.3, NM_018850.3); short protein forms L860V.
Identifiers: ClinVar variation 4985851 (VCV004985851.1).
Genomic context (GRCh38, chr7:87,417,416, plus strand): 5'-CAGCCAACAATTTCATTTCAACAATTCCTGACACAGCAATAATTGGAACAACTGCTAATA[G>C]CAATAGGGTTAACTGCCAACCGTAGATAAATGATATGATAATACCAGTTCCAAGGTTAGC-3'
Protein context (NP_000434.1, residues 850-870): FIYGWQLTLL[Leu860Val]LAVVPIIAVS

ClinVar aggregate classification (germline): Uncertain significance (1 of 4 stars; one submission).

Conditions:
ABCB4-related disorder. Also called: ABCB4-related disorders; ABCB4-related condition.

Submission:

PreventionGenetics, part of Exact Sciences
Classification: Uncertain significance for ABCB4-related condition. Last evaluated: 2026-05-16. Review status: criteria provided, single submitter. Criteria: ACMG Guidelines, 2015. Collection method: clinical testing. Allele origin: germline.
Comment: The ABCB4 c.2578C>G variant is predicted to result in the amino acid substitution p.Leu860Val. To our knowledge, this variant has not been reported in the literature or in a large population database (gnomAD), indicating this variant is rare. At this time, the clinical significance of this variant is uncertain due to the absence of conclusive functional and genetic evidence.